The following is an entry in ClinVar:

NM_000722.4(CACNA2D1):c.2572C>T (p.Gln858Ter)

Gene: CACNA2D1 (calcium voltage-gated channel auxiliary subunit alpha2delta 1; minus strand). Cytogenetic location: 7q21.11.
Variant type: single nucleotide variant.
Coding change: c.2572C>T on transcript NM_000722.4 (MANE Select); coding-DNA position 2572, C replaced by T.
Protein change: p.Gln858Ter; replaces glutamine 858 with a stop codon.
Molecular consequence: nonsense.
Genome position (GRCh38, 1-based): chr7:81,965,596, G>A on the plus strand (C>T on the coding strand, the complement: CACNA2D1 is on the minus strand). VCF-style: chr7-81965596-G-A. GRCh37 (hg19) VCF-style: chr7-81594912-G-A.
Other names: c.2608C>T, p.Gln870Ter (NM_001366867.1); short protein forms Q870*, Q858*.
Identifiers: ClinVar variation 1793261 (VCV001793261.2), dbSNP rs1554331310, ClinGen allele CA367886144.

ClinVar aggregate classification (germline): Uncertain significance (1 of 4 stars; one submission).

Conditions:
Cardiovascular phenotype. Identifiers: MedGen CN230736.

Allele frequency attached by ClinVar (database versions not stated): gnomAD exomes below 0.00001.
gnomAD v4.1: 1 of 1,528,070 alleles (0.000065%); highest among the groups gnomAD compares: Non-Finnish European, 0.000091%; no homozygotes.

Submission:

Ambry Genetics
Classification: Uncertain significance for Cardiovascular phenotype. Last evaluated: 2021-07-16. Review status: criteria provided, single submitter. Criteria: Ambry Variant Classification Scheme 2023. Collection method: clinical testing. Allele origin: germline.
Comment: The p.Q858* variant (also known as c.2572C>T), located in coding exon 32 of the CACNA2D1 gene, results from a C to T substitution at nucleotide position 2572. This changes the amino acid from a glutamine to a stop codon within coding exon 32. This alteration is expected to result in premature protein truncation or nonsense-mediated mRNA decay. However, loss of function of CACNA2D1 has not been clearly established as a mechanism of disease. Since supporting evidence is limited at this time, the clinical significance of this alteration remains unclear.